The following is an entry in ClinVar:

ClinVar aggregate classification (germline): Uncertain significance (1 of 4 stars; one submission).

Submission:

GeneDx
Classification: Uncertain significance. Last evaluated: 2026-03-15. Review status: criteria provided, single submitter. Criteria: GeneDx Variant Classification Process June 2021. Collection method: clinical testing. Allele origin: germline.
Comment: Not observed at significant frequency in large population cohorts (gnomAD); In silico analysis suggests that this missense variant does not alter protein structure/function; Has not been previously published as pathogenic or benign to our knowledge

NM_001378183.1(PIEZO2):c.2621C>A (p.Ala874Asp)

Gene: PIEZO2 (piezo type mechanosensitive ion channel component 2; minus strand). Cytogenetic location: 18p11.22.
Variant type: single nucleotide variant.
Coding change: c.2621C>A on transcript NM_001378183.1 (MANE Select); coding-DNA position 2621, C replaced by A.
Protein change: p.Ala874Asp; replaces alanine 874 with aspartic acid.
Molecular consequence: missense variant.
Genome position (GRCh38, 1-based): chr18:10,773,576, G>T on the plus strand (C>A on the coding strand, the complement: PIEZO2 is on the minus strand). VCF-style: chr18-10773576-G-T. GRCh37 (hg19) VCF-style: chr18-10773574-G-T.
Other names: c.2621C>A, p.Ala874Asp (NM_001410871.1); c.2546C>A, p.Ala849Asp (NM_022068.4); short protein forms A874D, A849D.
Identifiers: ClinVar variation 5009184 (VCV005009184.1).